The following is an entry in ClinVar:

ClinVar aggregate classification (germline): Uncertain significance (1 of 4 stars; one submission).

Conditions:
Hereditary cancer-predisposing syndrome. Also called: Hereditary Cancer Syndrome; Hereditary neoplastic syndrome; Tumor predisposition; Neoplastic Syndromes, Hereditary. Identifiers: Orphanet 140162, MedGen C0027672, MeSH D009386, MONDO:0015356.

Submission:

Ambry Genetics
Classification: Uncertain significance for Hereditary cancer-predisposing syndrome. Last evaluated: 2020-09-28. Review status: criteria provided, single submitter. Criteria: Ambry Variant Classification Scheme 2023. Collection method: clinical testing. Allele origin: germline.
Comment: The p.R810S variant (also known as c.2430A>C), located in coding exon 14 of the PMS2 gene, results from an A to C substitution at nucleotide position 2430. The arginine at codon 810 is replaced by serine, an amino acid with dissimilar properties. This amino acid position is highly conserved in available vertebrate species. In addition, this alteration is predicted to be deleterious by in silico analysis. Since supporting evidence is limited at this time, the clinical significance of this alteration remains unclear.

NM_000535.7(PMS2):c.2430A>C (p.Arg810Ser)

Gene: PMS2 (PMS1 homolog 2, mismatch repair system component; minus strand). Cytogenetic location: 7p22.1.
Variant type: single nucleotide variant.
Coding change: c.2430A>C on transcript NM_000535.7 (MANE Select); coding-DNA position 2430, A replaced by C.
Protein change: p.Arg810Ser; replaces arginine 810 with serine.
Molecular consequence: missense variant. On other transcripts: non-coding transcript variant (1).
Genome position (GRCh38, 1-based): chr7:5,977,603, T>G on the plus strand (A>C on the coding strand, the complement: PMS2 is on the minus strand). VCF-style: chr7-5977603-T-G. GRCh37 (hg19) VCF-style: chr7-6017234-T-G.
Other names: c.2025A>C, p.Arg675Ser (NM_001018040.1, NM_001322003.2, NM_001322004.2 and 12 more transcripts); c.2274A>C, p.Arg758Ser (NM_001322006.2); c.2112A>C, p.Arg704Ser (NM_001322007.2, NM_001322008.2, NM_001406883.1); c.2058A>C, p.Arg686Ser (NM_001322009.2, NM_001406887.1, NM_001406888.1); c.1869A>C, p.Arg623Ser (NM_001322010.2, NM_001406906.1, NM_001406907.1); c.1497A>C, p.Arg499Ser (NM_001322011.2, NM_001322012.2); c.1857A>C, p.Arg619Ser (NM_001322013.2, NM_001406908.1, NM_001406909.1); c.2463A>C, p.Arg821Ser (NM_001322014.2); and 20 more; short protein forms R553S, R571S, R619S, R686S, R698S, R718S, R754S, R769S.
Identifiers: ClinVar variation 1791160 (VCV001791160.2), dbSNP rs1583279606, ClinGen allele CA366735581.